The following is an entry in ClinVar:

ClinVar aggregate classification (germline): Conflicting classifications of pathogenicity. Review status: criteria provided, conflicting classifications (1 of 4 stars). 2 submissions from 2 submitters: Uncertain significance (1); Likely benign (1). Last evaluated 2023-04-19.

Conditions:
Hereditary cancer-predisposing syndrome. Also called: Neoplastic Syndromes, Hereditary; Tumor predisposition; Hereditary Cancer Syndrome; Hereditary neoplastic syndrome. Identifiers: Orphanet 140162, MedGen C0027672, MeSH D009386, MONDO:0015356.
Ataxia-telangiectasia syndrome (AT). Also called: LOUIS-BAR SYNDROME; Cerebello-oculocutaneous telangiectasia; Immunodeficiency with ataxia telangiectasia; Ataxia-telangiectasia, complementation group D; AT, COMPLEMENTATION GROUP C; ATAXIA-TELANGIECTASIA, COMPLEMENTATION GROUP A. Identifiers: Orphanet 100, MedGen C0004135, MONDO:0008840, OMIM 208900.

Allele frequency attached by ClinVar (database versions not stated): gnomAD exomes below 0.00001.
gnomAD v4.1: 3 of 1,613,800 alleles (0.00019%); highest among the groups gnomAD compares: Non-Finnish European, 0.00025%; no homozygotes.

Submissions (2):

Labcorp Genetics (formerly Invitae), Labcorp
Classification: Uncertain significance for Ataxia-telangiectasia syndrome. Last evaluated: 2023-04-19. Review status: criteria provided, single submitter. Criteria: Invitae Variant Classification Sherloc (09022015). Collection method: clinical testing. Allele origin: germline.
Comment: In summary, the available evidence is currently insufficient to determine the role of this variant in disease. Therefore, it has been classified as a Variant of Uncertain Significance. Algorithms developed to predict the effect of sequence changes on RNA splicing suggest that this variant may disrupt the consensus splice site. ClinVar contains an entry for this variant (Variation ID: 1746263). This variant has not been reported in the literature in individuals affected with ATM-related conditions. This variant is not present in population databases (gnomAD no frequency). This sequence change affects codon 1746 of the ATM mRNA. It is a 'silent' change, meaning that it does not change the encoded amino acid sequence of the ATM protein.

Ambry Genetics
Classification: Likely benign for Hereditary cancer-predisposing syndrome. Last evaluated: 2019-08-10. Review status: criteria provided, single submitter. Criteria: Ambry Variant Classification Scheme 2023. Collection method: clinical testing. Allele origin: germline.

NM_000051.4(ATM):c.5238A>G (p.Gly1746=)

Gene: ATM (ATM serine/threonine kinase; plus strand). Cytogenetic location: 11q22.3.
Variant type: single nucleotide variant.
Coding change: c.5238A>G on transcript NM_000051.4 (MANE Select); coding-DNA position 5238, A replaced by G.
Protein change: p.Gly1746=; no amino-acid change (glycine 1746 retained).
Molecular consequence: synonymous variant.
Genome position (GRCh38, 1-based): chr11:108,301,708, A>G. VCF-style: chr11-108301708-A-G. GRCh37 (hg19) VCF-style: chr11-108172435-A-G.
Other names: c.5238A>G, p.Gly1746= (NM_001351834.2).
Identifiers: ClinVar variation 1746263 (VCV001746263.5), dbSNP rs2135913350, ClinGen allele CA476674787.